The following is an entry in ClinVar:

ClinVar aggregate classification (germline): Conflicting classifications of pathogenicity. Review status: criteria provided, conflicting classifications (1 of 4 stars). 3 submissions from 3 submitters: Uncertain significance (1); Likely benign (2). Last evaluated 2025-12-15.

Conditions:
Bethlem myopathy 1A. Also called: MYOPATHY, BENIGN CONGENITAL, WITH CONTRACTURES; Bethlem Muscular Dystrophy; Bethlem myopathy 1. Identifiers: Orphanet 610, MedGen CN029274, MONDO:0024530, OMIM 158810.

Allele frequency attached by ClinVar (database versions not stated): gnomAD exomes 0.00002; ExAC 0.00003; gnomAD 0.00005; TOPMed 0.00005; ESP Exome Variant Server 0.00015.
gnomAD v4.1: 38 of 1,611,562 alleles (0.0024%); highest among the groups gnomAD compares: Admixed American, 0.0067%; no homozygotes.

Submissions (3):

Labcorp Genetics (formerly Invitae), Labcorp
Classification: Likely benign for Bethlem myopathy 1A. Last evaluated: 2025-12-15. Review status: criteria provided, single submitter. Criteria: Invitae Variant Classification Sherloc (09022015). Collection method: clinical testing. Allele origin: germline.

Eurofins Ntd Llc (ga)
Classification: Uncertain significance. Last evaluated: 2016-12-27. Review status: criteria provided, single submitter. Criteria: EGL Classification Definitions 2015. Collection method: clinical testing. Allele origin: germline. Observed: 1 variant allele, 1 heterozygote.

GeneDx
Classification: Likely benign. Last evaluated: 2016-07-19. Review status: criteria provided, single submitter. Criteria: GeneDx Variant Classification (06012015). Collection method: clinical testing. Allele origin: germline. Affected: yes.
Comment: This variant is considered likely benign or benign based on one or more of the following criteria: it is a conservative change, it occurs at a poorly conserved position in the protein, it is predicted to be benign by multiple in silico algorithms, and/or has population frequency not consistent with disease.

NM_001849.4(COL6A2):c.648C>T (p.Tyr216=)

Gene: COL6A2 (collagen type VI alpha 2 chain; plus strand). Cytogenetic location: 21q22.3.
Variant type: single nucleotide variant.
Coding change: c.648C>T on transcript NM_001849.4 (MANE Select); coding-DNA position 648, C replaced by T.
Protein change: p.Tyr216=; no amino-acid change (tyrosine 216 retained).
Molecular consequence: synonymous variant.
Genome position (GRCh38, 1-based): chr21:46,112,511, C>T. VCF-style: chr21-46112511-C-T. GRCh37 (hg19) VCF-style: chr21-47532425-C-T.
Other names: c.648C>T, p.Tyr216= (NM_058174.3, NM_058175.3).
Identifiers: ClinVar variation 387297 (VCV000387297.8), dbSNP rs150004111, ClinGen allele CA10071362.